The following is an entry in ClinVar:

NM_002979.5(SCP2):c.1081+8T>C

Gene: SCP2 (sterol carrier protein 2; plus strand). Cytogenetic location: 1p32.3.
Variant type: single nucleotide variant.
Coding change: c.1081+8T>C on transcript NM_002979.5 (MANE Select); 8 bases into the intron after coding-DNA position 1081, T replaced by C.
Molecular consequence: intron variant.
Genome position (GRCh38, 1-based): chr1:52,988,144, T>C. VCF-style: chr1-52988144-T-C. GRCh37 (hg19) VCF-style: chr1-53453816-T-C.
Other names: c.949+8T>C (NM_001193600.2, NM_001007098.3); c.1009+8T>C (NM_001193599.2); c.838+8T>C (NM_001193617.2); c.1081+8T>C (NM_001330587.2, NM_002979.4).
Identifiers: ClinVar variation 1563183 (VCV001563183.10), dbSNP rs374302380, ClinGen allele CA857287.

ClinVar aggregate classification (germline): Likely benign. Review status: criteria provided, multiple submitters, no conflicts (2 of 4 stars). 2 submissions from 2 submitters: Likely benign (2). Last evaluated 2026-02-11.

Conditions:
SCP2-related disorder. Also called: SCP2-related condition.

Allele frequency attached by ClinVar (database versions not stated): gnomAD exomes 0.00001 and 0.00003; ExAC 0.00005; gnomAD 0.00012 and 0.00013; TOPMed 0.00013; ESP Exome Variant Server 0.00031.
gnomAD v4.1: 42 of 1,309,172 alleles (0.0032%); highest among the groups gnomAD compares: African/African-American, 0.042%; no homozygotes.

Submissions (2):

PreventionGenetics, part of Exact Sciences
Classification: Likely benign for SCP2-related condition. Last evaluated: 2026-02-11. Review status: criteria provided, single submitter. Criteria: ACMG Guidelines, 2015. Collection method: clinical testing. Allele origin: germline.
Comment: This variant is classified as likely benign based on ACMG/AMP sequence variant interpretation guidelines (Richards et al. 2015 PMID: 25741868, with internal and published modifications).

Labcorp Genetics (formerly Invitae), Labcorp
Classification: Likely benign. Last evaluated: 2025-09-10. Review status: criteria provided, single submitter. Criteria: Invitae Variant Classification Sherloc (09022015). Collection method: clinical testing. Allele origin: germline.